The following is an entry in ClinVar:

ClinVar aggregate classification (germline): Uncertain significance. Review status: criteria provided, multiple submitters, no conflicts (2 of 4 stars). 2 submissions from 2 submitters: Uncertain significance (2). Last evaluated 2023-07-10.

Conditions:
ENG-related disorder. Also called: ENG-related condition; ENG-related disorders.
Cardiovascular phenotype. Identifiers: MedGen CN230736.

Allele frequency attached by ClinVar (database versions not stated): gnomAD exomes 0.00002; TOPMed 0.00005; gnomAD 0.00008; ExAC 0.00011.
gnomAD v4.1: 42 of 1,547,440 alleles (0.0027%); highest among the groups gnomAD compares: African/African-American, 0.02%; no homozygotes.

Submissions (2):

PreventionGenetics, part of Exact Sciences
Classification: Uncertain significance for ENG-related condition. Last evaluated: 2023-07-10. Review status: criteria provided, single submitter. Criteria: ACMG Guidelines, 2015. Collection method: clinical testing. Allele origin: germline.
Comment: The ENG c.1904C>T variant is predicted to result in the amino acid substitution p.Ser635Leu. This variant has been reported in an individual with possible hereditary hemorrhagic telangiectasia (Mallet C et al 2014. PubMed ID: 25312062). This same study found that the p.Ser635Leu substitution did not appear to affect protein function. This variant is reported in 0.013% of alleles in individuals of South Asian descent in gnomAD, which may be too common to be an unreported cause of disease. Although we suspect that this variant may be benign, at this time, the clinical significance of this variant is uncertain due to the absence of conclusive functional and genetic evidence.

Ambry Genetics
Classification: Uncertain significance for Cardiovascular phenotype. Last evaluated: 2021-03-16. Review status: criteria provided, single submitter. Criteria: Ambry Variant Classification Scheme 2023. Collection method: clinical testing. Allele origin: germline.
Comment: The p.S635L variant (also known as c.1904C>T), located in coding exon 15 of the ENG gene, results from a C to T substitution at nucleotide position 1904. The serine at codon 635 is replaced by leucine, an amino acid with dissimilar properties. This variant has been detected in an individual with hepatic fistulae and unlikely clinical diagnosis of hereditary hemorrhagic telangiectasia, per authors. In vitro assays by the same group indicated this variant did not adversely impact BMP9 signaling (Mallet C et al. Hum Mol Genet, 2015 Feb;24:1142-54). This amino acid position is well conserved in available vertebrate species; however, leucine is the reference amino acid in other vertebrate species. In addition, this alteration is predicted to be tolerated by in silico analysis. Since supporting evidence is limited at this time, the clinical significance of this alteration remains unclear.

Literature cited by the submitters: PubMed 25312062 (cited by Ambry Genetics).

NM_001114753.3(ENG):c.1904C>T (p.Ser635Leu)

Gene: ENG (endoglin; minus strand). Cytogenetic location: 9q34.11.
Variant type: single nucleotide variant.
Coding change: c.1904C>T on transcript NM_001114753.3 (MANE Select); coding-DNA position 1904, C replaced by T.
Protein change: p.Ser635Leu; replaces serine 635 with leucine.
Molecular consequence: missense variant.
Genome position (GRCh38, 1-based): chr9:127,815,755, G>A on the plus strand (C>T on the coding strand, the complement: ENG is on the minus strand). VCF-style: chr9-127815755-G-A. GRCh37 (hg19) VCF-style: chr9-130578034-G-A.
Other names: c.*162C>T (NM_000118.4); c.1358C>T, p.Ser453Leu (NM_001278138.2); short protein forms S453L, S635L.
Identifiers: ClinVar variation 1782359 (VCV001782359.3), dbSNP rs758012489, ClinGen allele CA5252585.
Genomic context (GRCh38, chr9:127,815,755, plus strand): 5'-CTGGTGGAGCAGGGGGTGCTCTGGGTGCTCCCGATGCTGTGGTTGGTGCTGCTGCTCTCC[G>A]AGGAGGCCGGGGCAGCCACCGCCACCACGGGCTCCCGCTTGCTGGGGGAACCTGGGAGCG-3'
Protein context (NP_001108225.1, residues 625-645): PVVAVAAPAS[Ser635Leu]ESSSTNHSIG